The following is an entry in ClinVar:

ClinVar aggregate classification (germline): Likely pathogenic (1 of 4 stars; one submission).

Conditions:
Autosomal dominant nonsyndromic hearing loss 44. Identifiers: Orphanet 90635, MedGen C1843895, MONDO:0011832, OMIM 607453.

gnomAD v4.1: 1 of 1,613,780 alleles (0.000062%); highest among the groups gnomAD compares: Non-Finnish European, 0.000085%; no homozygotes.

Submission:

Institute of Human Genetics, University of Goettingen
Classification: Likely pathogenic for Autosomal dominant nonsyndromic hearing loss 44. Last evaluated: 2025-01-15. Review status: criteria provided, single submitter. Criteria: ACMG Guidelines, 2015. Collection method: clinical testing. Allele origin: unknown. Inheritance: Autosomal dominant inheritance. Affected: yes.
Comment: The NM_178335.3 (CCDC50):​c.802C>T​(p.Gln268Ter) variant causes a stop gained change involving the alteration of a non-conserved nucleotide. The variant allele was found at a frequency of 0.000000684 in 1,461,562 control chromosomes in the GnomAD database, with no homozygous occurrence. In-silico tool predicts a pathogenic outcome for this variant. No clinical diagnostic laboratories have submitted clinical-significance assessments for this variant to ClinVar. Variant results in nonsense mediated mRNA decay. ACMG criteria used for classification: PVS1, PM2_sup

NM_178335.3(CCDC50):c.802C>T (p.Gln268Ter)

Gene: CCDC50 (coiled-coil domain containing 50; plus strand). Cytogenetic location: 3q28.
Variant type: single nucleotide variant.
Coding change: c.802C>T on transcript NM_178335.3 (MANE Select); coding-DNA position 802, C replaced by T.
Protein change: p.Gln268Ter; replaces glutamine 268 with a stop codon.
Molecular consequence: nonsense. On other transcripts: intron variant (1).
Genome position (GRCh38, 1-based): chr3:191,375,415, C>T. VCF-style: chr3-191375415-C-T. GRCh37 (hg19) VCF-style: chr3-191093204-C-T.
Other names: c.449-4744C>T (NM_174908.4); short protein forms Q268*.
Identifiers: ClinVar variation 3572930 (VCV003572930.2).
Genomic context (GRCh38, chr3:191,375,415, plus strand): 5'-AGCACTGAATGTGATGACTGGGAGACTAAGATTAACCATCAGACTCGAAATTGGGAAAAA[C>T]AGTCTCGACACCAAGATCGACTTTCACCCAAGTCCTCACAAAAAGCAGGGCTTCACTGCA-3'